The following is an entry in ClinVar:

ClinVar aggregate classification (germline): Benign. Review status: criteria provided, multiple submitters, no conflicts (2 of 4 stars). 4 submissions from 4 submitters: Benign (4). Last evaluated 2024-01-24.

Conditions:
Gastrointestinal defects and immunodeficiency syndrome 1 (GIDID1). Also called: Combined immunodeficiency-enteropathy spectrum. Identifiers: Orphanet 436252, MedGen C5968858, MONDO:0800030, OMIM 243150.

Allele frequency attached by ClinVar (database versions not stated): ESP Exome Variant Server 0.08781; TOPMed 0.53461; 1000 Genomes Project 30x 0.60712; 1000 Genomes Project 0.61302.
gnomAD v4.1: 653,963 of 1,587,226 alleles (41%); highest among the groups gnomAD compares: African/African-American, 76%; 144,175 homozygotes.

Submissions (4):

Unidad de Genómica Garrahan, Hospital de Pediatría Garrahan
Classification: Benign. Last evaluated: 2024-01-24. Review status: criteria provided, single submitter. Criteria: ACMG Guidelines, 2015. Collection method: clinical testing. Allele origin: germline. Affected: no. Observed: 72 variant alleles.
Comment: This variant is classified as Benign based on local population frequency. This variant was detected in 76% of patients studied by a panel of primary immunodeficiencies. Number of patients: 72. Only high quality variants are reported.

Genome-Nilou Lab
Classification: Benign for Gastrointestinal defects and immunodeficiency syndrome 1. Last evaluated: 2021-09-10. Review status: criteria provided, single submitter. Criteria: ACMG Guidelines, 2015. Collection method: clinical testing. Allele origin: germline. Affected: no.

GeneDx
Classification: Benign. Last evaluated: 2018-07-09. Review status: criteria provided, single submitter. Criteria: GeneDx Variant Classification Process June 2021. Collection method: clinical testing. Allele origin: germline. Affected: yes.

Breakthrough Genomics
Classification: Benign. Review status: criteria provided, single submitter. Criteria: ACMG Guidelines, 2015. Collection method: not provided. Allele origin: germline. Inheritance: Autosomal recessive inheritance. Affected: yes.

NM_020458.4(TTC7A):c.2017+23A>G

Gene: TTC7A (tetratricopeptide repeat domain 7A; plus strand). Cytogenetic location: 2p21.
Variant type: single nucleotide variant.
Coding change: c.2017+23A>G on transcript NM_020458.4 (MANE Select); 23 bases into the intron after coding-DNA position 2017, A replaced by G.
Molecular consequence: intron variant.
Genome position (GRCh38, 1-based): chr2:47,050,069, A>G. VCF-style: chr2-47050069-A-G. GRCh37 (hg19) VCF-style: chr2-47277208-A-G.
Other names: c.1915+23A>G (NM_001288953.2); c.2089+23A>G (NM_001288951.2); c.955+23A>G (NM_001288955.2).
Identifiers: ClinVar variation 1177721 (VCV001177721.7), dbSNP rs3816065, ClinGen allele CA1647963.